The following is an entry in ClinVar:

NM_001394966.1(NEK10):c.2644G>A (p.Glu882Lys)

Gene: NEK10 (NIMA related kinase 10; minus strand). Cytogenetic location: 3p24.1.
Variant type: single nucleotide variant.
Coding change: c.2644G>A on transcript NM_001394966.1 (MANE Select); coding-DNA position 2644, G replaced by A.
Protein change: p.Glu882Lys; replaces glutamic acid 882 with lysine.
Molecular consequence: missense variant.
Genome position (GRCh38, 1-based): chr3:27,174,695, C>T on the plus strand (G>A on the coding strand, the complement: NEK10 is on the minus strand). VCF-style: chr3-27174695-C-T. GRCh37 (hg19) VCF-style: chr3-27216186-C-T.
Other names: c.580G>A, p.Glu194Lys (NM_001031741.5, NM_001304384.3); c.2644G>A, p.Glu882Lys (NM_001394963.1, NM_001394965.1, NM_001394970.1 and 2 more transcripts); c.2557G>A, p.Glu853Lys (NM_001394964.1, NM_001394967.1); c.2527G>A, p.Glu843Lys (NM_001394968.1); c.2356G>A, p.Glu786Lys (NM_001394969.1); short protein forms E194K, E786K, E843K, E853K, E882K.
Identifiers: ClinVar variation 4975319 (VCV004975319.1).

ClinVar aggregate classification (germline): Uncertain significance (1 of 4 stars; one submission).

gnomAD v4.1: 18 of 1,613,050 alleles (0.0011%); highest among the groups gnomAD compares: South Asian, 0.0022%; no homozygotes.

Submission:

GeneDx
Classification: Uncertain significance. Last evaluated: 2026-01-25. Review status: criteria provided, single submitter. Criteria: GeneDx Variant Classification Process June 2021. Collection method: clinical testing. Allele origin: germline.
Comment: Has not been previously published as pathogenic or benign to our knowledge; Located in a regulatory region; in the absence of functional studies, the actual effect of this sequence change is unknown